The following is an entry in ClinVar:

ClinVar aggregate classification (germline): Benign/Likely benign. Review status: criteria provided, multiple submitters, no conflicts (2 of 4 stars). 9 submissions from 9 submitters: Benign (1); Likely benign (4). 4 of the submissions do not count toward it. Last evaluated 2026-03-27.

Conditions:
Cardiomyopathy (CMYO). Also called: Cardiomyopathies. Identifiers: Orphanet 167848, MedGen C0878544, MONDO:0004994, HP:0001638. Inheritance: Various modes of inheritance.
Dystrophin deficiency.
Duchenne muscular dystrophy (DMD). Also called: MUSCULAR DYSTROPHY, PSEUDOHYPERTROPHIC PROGRESSIVE, DUCHENNE TYPE; Duchenne Muscular Dystrophy (DMD). Identifiers: Orphanet 98896, MedGen C0013264, MONDO:0010679, OMIM 310200.
Becker muscular dystrophy (BMD). Also called: Becker Muscular Dystrophy (BMD); MUSCULAR DYSTROPHY, PSEUDOHYPERTROPHIC PROGRESSIVE, BECKER TYPE. Identifiers: Orphanet 98895, MedGen C0917713, MONDO:0010311, OMIM 300376.

Allele frequency attached by ClinVar (database versions not stated): ESP Exome Variant Server 0.00009; gnomAD 0.00013; TOPMed 0.00015; gnomAD exomes 0.00020 and 0.00021; ExAC 0.00032.
gnomAD v4.1: 243 of 1,204,292 alleles (0.02%); highest among the groups gnomAD compares: Non-Finnish European, 0.025%; no homozygotes.

Submissions (9):

Molecular Diagnostic Laboratory for Inherited Cardiovascular Disease, Montreal Heart Institute
Classification: Likely benign. Last evaluated: 2026-03-27. Review status: criteria provided, single submitter. Criteria: ACMG Guidelines, 2015. Collection method: clinical testing. Allele origin: germline. Affected: no.

Labcorp Genetics (formerly Invitae), Labcorp
Classification: Benign for Duchenne muscular dystrophy. Last evaluated: 2026-02-03. Review status: criteria provided, single submitter. Criteria: Invitae Variant Classification Sherloc (09022015). Collection method: clinical testing. Allele origin: germline.

Mayo Clinic Laboratories, Mayo Clinic
Classification: Likely benign. Last evaluated: 2025-09-02. Review status: criteria provided, single submitter. Criteria: ACMG Guidelines, 2015. Collection method: clinical testing. Allele origin: germline. Observed: 3 variant alleles.
Comment: BS2, BP4, BP7

Blueprint Genetics
Classification: Likely benign. Last evaluated: 2024-11-15. Review status: criteria provided, single submitter. Criteria: ACMG Guidelines, 2015. Collection method: clinical testing. Allele origin: germline.

Eurofins Ntd Llc (ga)
Classification: Likely benign. Last evaluated: 2016-10-04. Review status: criteria provided, single submitter. Criteria: EGL Classification Definitions 2015. Collection method: clinical testing. Allele origin: germline. Observed: 2 variant alleles, 2 hemizygotes.

Natera, Inc.
Classification: Likely benign for Becker muscular dystrophy; Cardiomyopathy; Duchenne muscular dystrophy; Dystrophin deficiency. Last evaluated: 2019-06-25. Review status: no assertion criteria provided. Collection method: clinical testing. Allele origin: germline. Not counted in ClinVar's aggregate classification.

Clinical Genetics DNA and cytogenetics Diagnostics Lab, Erasmus MC, Erasmus Medical Center
Classification: Likely benign. Review status: no assertion criteria provided. Collection method: clinical testing. Allele origin: germline. Affected: yes. Study: VKGL Data-share Consensus. Not counted in ClinVar's aggregate classification.

Diagnostic Laboratory, Department of Genetics, University Medical Center Groningen
Classification: Likely benign. Review status: no assertion criteria provided. Collection method: clinical testing. Allele origin: germline. Affected: yes. Study: VKGL Data-share Consensus. Not counted in ClinVar's aggregate classification.

Genome Diagnostics Laboratory, University Medical Center Utrecht
Classification: Likely benign. Review status: no assertion criteria provided. Collection method: clinical testing. Allele origin: germline. Affected: yes. Study: VKGL Data-share Consensus. Not counted in ClinVar's aggregate classification.

NM_004006.3(DMD):c.8027+7A>T

Gene: DMD (dystrophin; minus strand). Cytogenetic location: Xp21.1.
Variant type: single nucleotide variant.
Coding change: c.8027+7A>T on transcript NM_004006.3 (MANE Select); 7 bases into the intron after coding-DNA position 8027, A replaced by T.
Molecular consequence: intron variant.
Genome position (GRCh38, 1-based): chrX:31,657,983, T>A on the plus strand (A>T on the coding strand, the complement: DMD is on the minus strand). VCF-style: chrX-31657983-T-A. GRCh37 (hg19) VCF-style: chrX-31676100-T-A.
Other names: p.?; c.8003+7A>T (NM_000109.4); c.4004+7A>T (NM_004011.4); c.3995+7A>T (NM_004012.4); c.647+7A>T (NM_004023.3, NM_004020.4, NM_004022.3 and 2 more transcripts); c.8015+7A>T (NM_004009.3); c.7658+7A>T (NM_004010.3).
Identifiers: ClinVar variation 286985 (VCV000286985.24), dbSNP rs72466580, ClinGen allele CA10378168.